The following is an entry in ClinVar:

NM_138694.4(PKHD1):c.1349C>G (p.Ala450Gly)

Gene: PKHD1 (PKHD1 ciliary IPT domain containing fibrocystin/polyductin; minus strand). Cytogenetic location: 6p12.2.
Variant type: single nucleotide variant.
Coding change: c.1349C>G on transcript NM_138694.4 (MANE Select); coding-DNA position 1349, C replaced by G.
Protein change: p.Ala450Gly; replaces alanine 450 with glycine.
Molecular consequence: missense variant.
Genome position (GRCh38, 1-based): chr6:52,058,486, G>C on the plus strand (C>G on the coding strand, the complement: PKHD1 is on the minus strand). VCF-style: chr6-52058486-G-C. GRCh37 (hg19) VCF-style: chr6-51923284-G-C.
Other names: c.1349C>G, p.Ala450Gly (NM_170724.3); short protein forms A450G.
Identifiers: ClinVar variation 4680953 (VCV004680953.1).
Genomic context (GRCh38, chr6:52,058,486, plus strand): 5'-CCAATCCTCATCCCCCTGCTTGGGGCTATCCCATGATGCTCTGCTTCCAGGTAGTACATG[G>C]CTCCACCCAACAGCTCCAACTTGGGAGTCTTCTGCTGCCAGGTCCCTTCATCCCTATTCT-3'
Protein context (NP_619639.3, residues 440-460): KTPKLELLGG[Ala450Gly]MYYLEAEHHG

ClinVar aggregate classification (germline): Uncertain significance (1 of 4 stars; one submission).

gnomAD v4.1: 10 of 1,614,032 alleles (0.00062%); highest among the groups gnomAD compares: African/African-American, 0.0027%; no homozygotes.

Submission:

GeneDx
Classification: Uncertain significance. Last evaluated: 2025-06-30. Review status: criteria provided, single submitter. Criteria: GeneDx Variant Classification Process June 2021. Collection method: clinical testing. Allele origin: germline. Affected: yes.
Comment: Not observed at significant frequency in large population cohorts (gnomAD); In silico analysis suggests that this missense variant does not alter protein structure/function; Has not been previously published as pathogenic or benign to our knowledge